The following is an entry in ClinVar:

NM_152594.3(SPRED1):c.206T>C (p.Met69Thr)

Gene: SPRED1 (sprouty related EVH1 domain containing 1; plus strand). Cytogenetic location: 15q14.
Variant type: single nucleotide variant.
Coding change: c.206T>C on transcript NM_152594.3 (MANE Select); coding-DNA position 206, T replaced by C.
Protein change: p.Met69Thr; replaces methionine 69 with threonine.
Molecular consequence: missense variant.
Genome position (GRCh38, 1-based): chr15:38,299,546, T>C. VCF-style: chr15-38299546-T-C. GRCh37 (hg19) VCF-style: chr15-38591747-T-C.
Other names: short protein forms M69T.
Identifiers: ClinVar variation 4865038 (VCV004865038.1).

ClinVar aggregate classification (germline): Uncertain significance (1 of 4 stars; one submission).

Conditions:
Cardiovascular phenotype. Identifiers: MedGen CN230736.

Submission:

Ambry Genetics
Classification: Uncertain significance for Cardiovascular phenotype. Last evaluated: 2026-05-20. Review status: criteria provided, single submitter. Criteria: Ambry Variant Classification Scheme 2023. Collection method: clinical testing. Allele origin: germline.
Comment: The p.M69T variant (also known as c.206T>C), located in coding exon 2 of the SPRED1 gene, results from a T to C substitution at nucleotide position 206. The methionine at codon 69 is replaced by threonine, an amino acid with similar properties. This amino acid position is conserved. In addition, the in silico prediction for this alteration is inconclusive. Based on the available evidence, the clinical significance of this variant remains unclear.